The following is an entry in ClinVar:

ClinVar aggregate classification (germline): Uncertain significance (1 of 4 stars; one submission).

gnomAD v4.1: 17 of 1,613,910 alleles (0.0011%); highest among the groups gnomAD compares: South Asian, 0.0022%; 1 homozygote.

Submission:

Mayo Clinic Laboratories, Mayo Clinic
Classification: Uncertain significance. Last evaluated: 2024-01-16. Review status: criteria provided, single submitter. Criteria: ACMG Guidelines, 2015. Collection method: clinical testing. Allele origin: germline. Observed: 1 variant allele.
Comment: BP4

NM_000085.5(CLCNKB):c.160A>G (p.Met54Val)

Genes: CLCNKB (chloride voltage-gated channel Kb; plus strand), LOC106501713 (CLCNKB recombination region; plus strand). Cytogenetic location: 1p36.13.
Variant type: single nucleotide variant.
Coding change: c.160A>G on transcript NM_000085.5 (MANE Select); coding-DNA position 160, A replaced by G.
Protein change: p.Met54Val; replaces methionine 54 with valine.
Molecular consequence: missense variant.
Genome position (GRCh38, 1-based): chr1:16,045,617, A>G. VCF-style: chr1-16045617-A-G. GRCh37 (hg19) VCF-style: chr1-16372112-A-G.
Other names: p.Met54Val; short protein forms M54V.
Identifiers: ClinVar variation 3379433 (VCV003379433.1).
Genomic context (GRCh38, chr1:16,045,617, plus strand): 5'-GGTGGCCTGGAGTGGCTGAAGCAGAAGCTCTTCCGCCTGGGCGAGGACTGGTACTTCCTG[A>G]TGACCCTCGGGGTGCTCATGGCCCTGGTCAGCTGTGCCATGGACTTGGCTGTTGAGAGTG-3'
Protein context (NP_000076.2, residues 44-64): FRLGEDWYFL[Met54Val]TLGVLMALVS